The following is an entry in ClinVar:

NM_000182.5(HADHA):c.467G>A (p.Cys156Tyr)

Gene: HADHA (hydroxyacyl-CoA dehydrogenase trifunctional multienzyme complex subunit alpha; minus strand). Cytogenetic location: 2p23.3.
Variant type: single nucleotide variant.
Coding change: c.467G>A on transcript NM_000182.5 (MANE Select); coding-DNA position 467, G replaced by A.
Protein change: p.Cys156Tyr; replaces cysteine 156 with tyrosine.
Molecular consequence: missense variant.
Genome position (GRCh38, 1-based): chr2:26,232,266, C>T on the plus strand (G>A on the coding strand, the complement: HADHA is on the minus strand). VCF-style: chr2-26232266-C-T. GRCh37 (hg19) VCF-style: chr2-26455134-C-T.
Other names: short protein forms C156Y.
Identifiers: ClinVar variation 1015585 (VCV001015585.9), dbSNP rs1670643151, ClinGen allele CA346093326.
Genomic context (GRCh38, chr2:26,232,266, plus strand): 5'-AGCAAAACTTCAGGGGTACCTAATACTGTTTTTCTGTCTTTTGTTGCTATTCTGTATTGG[C>T]ATGAAATGGCAACCTTTGAACAAATGAAAGAAAATTAGAATGTTAGAAAATGTAACTTAG-3'
Protein context (NP_000173.2, residues 146-166): LGGGLEVAIS[Cys156Tyr]QYRIATKDRK

ClinVar aggregate classification (germline): Uncertain significance (1 of 4 stars; one submission).

Conditions:
Mitochondrial trifunctional protein deficiency. Identifiers: Orphanet 746, MedGen C1969443, MONDO:0012172.
Long chain 3-hydroxyacyl-CoA dehydrogenase deficiency. Also called: LCHAD Deficiency; Deficiency of long-chain 3-hydroxyacyl-coenzyme A dehydrogenase. Identifiers: Orphanet 5, MedGen C3711645, MONDO:0012173, OMIM 609016.

Submission:

Labcorp Genetics (formerly Invitae), Labcorp
Classification: Uncertain significance for Mitochondrial trifunctional protein deficiency; Long chain 3-hydroxyacyl-CoA dehydrogenase deficiency. Last evaluated: 2020-03-22. Review status: criteria provided, single submitter. Criteria: Invitae Variant Classification Sherloc (09022015). Collection method: clinical testing. Allele origin: germline.
Comment: In summary, the available evidence is currently insufficient to determine the role of this variant in disease. Therefore, it has been classified as a Variant of Uncertain Significance. This sequence change replaces cysteine with tyrosine at codon 156 of the HADHA protein (p.Cys156Tyr). The cysteine residue is highly conserved and there is a large physicochemical difference between cysteine and tyrosine. This variant is not present in population databases (ExAC no frequency). This variant has been observed in individual(s) with clinical features of long-chain 3-hydroxyacyl-CoA dehydrogenase deficiency (Invitae). Algorithms developed to predict the effect of missense changes on protein structure and function are either unavailable or do not agree on the potential impact of this missense change (SIFT: "Deleterious"; PolyPhen-2: "Probably Damaging"; Align-GVGD: "Class C0").